The following is an entry in ClinVar:

NM_001014987.2(LAT):c.513C>T (p.Tyr171=)

Gene: LAT (linker for activation of T cells; plus strand). Cytogenetic location: 16p11.2.
Variant type: single nucleotide variant.
Coding change: c.513C>T on transcript NM_001014987.2 (MANE Select); coding-DNA position 513, C replaced by T.
Protein change: p.Tyr171=; no amino-acid change (tyrosine 171 retained).
Molecular consequence: synonymous variant.
Genome position (GRCh38, 1-based): chr16:28,989,546, C>T. VCF-style: chr16-28989546-C-T. GRCh37 (hg19) VCF-style: chr16-29000867-C-T.
Other names: c.513C>T (NM_001014987.1); c.510C>T, p.Tyr170= (NM_001014988.2); c.621C>T, p.Tyr207= (NM_001014989.2); c.600C>T, p.Tyr200= (NM_014387.4).
Identifiers: ClinVar variation 746298 (VCV000746298.12), dbSNP rs147113499, ClinGen allele CA7990050.
Genomic context (GRCh38, chr16:28,989,546, plus strand): 5'-TCTCTGGTCACAGTGCCGAGGTGGGCCTGGCTTTTCCACAGTGGAGTCCATTGATGATTA[C>T]GTGAACGTTCCGGAGAGCGGGGAGAGCGCAGAAGCGTCTCTGGGTGAGTGACCGGTGCTT-3'
Protein context (NP_001014987.1, residues 161-181): SAFSMESIDD[Tyr171=]VNVPESGESA

ClinVar aggregate classification (germline): Likely benign. Review status: criteria provided, multiple submitters, no conflicts (2 of 4 stars). 4 submissions from 4 submitters: Likely benign (4). Last evaluated 2026-06-25.

Conditions:
LAT-related disorder. Also called: LAT-related condition.

Allele frequency attached by ClinVar (database versions not stated): ExAC 0.00050; gnomAD exomes 0.00061; 1000 Genomes Project 30x 0.00078; 1000 Genomes Project 0.00080; gnomAD 0.00084 and 0.00089; ESP Exome Variant Server 0.00092; TOPMed 0.00105.
gnomAD v4.1: 995 of 1,610,824 alleles (0.062%); highest among the groups gnomAD compares: Admixed American, 0.22%; 1 homozygote.

Submissions (4):

PreventionGenetics, part of Exact Sciences
Classification: Likely benign for LAT-related condition. Last evaluated: 2026-06-25. Review status: criteria provided, single submitter. Criteria: ACMG Guidelines, 2015. Collection method: clinical testing. Allele origin: germline.
Comment: This variant is classified as likely benign based on ACMG/AMP sequence variant interpretation guidelines (Richards et al. 2015 PMID: 25741868, with internal and published modifications).

Women's Health and Genetics/Laboratory Corporation of America, LabCorp
Classification: Likely benign. Last evaluated: 2026-03-30. Review status: criteria provided, single submitter. Criteria: LabCorp Variant Classification Summary - May 2015. Collection method: clinical testing. Allele origin: germline.

Labcorp Genetics (formerly Invitae), Labcorp
Classification: Likely benign. Last evaluated: 2026-01-23. Review status: criteria provided, single submitter. Criteria: Invitae Variant Classification Sherloc (09022015). Collection method: clinical testing. Allele origin: germline.

Blueprint Genetics
Classification: Likely benign. Last evaluated: 2024-11-21. Review status: criteria provided, single submitter. Criteria: ACMG Guidelines, 2015. Collection method: clinical testing. Allele origin: germline.